The following is an entry in ClinVar:

NM_139076.3(ABRAXAS1):c.1022C>T (p.Pro341Leu)

Gene: ABRAXAS1 (abraxas 1, BRCA1 A complex subunit; minus strand). Cytogenetic location: 4q21.23.
Variant type: single nucleotide variant.
Coding change: c.1022C>T on transcript NM_139076.3 (MANE Select); coding-DNA position 1022, C replaced by T.
Protein change: p.Pro341Leu; replaces proline 341 with leucine.
Molecular consequence: missense variant.
Genome position (GRCh38, 1-based): chr4:83,462,677, G>A on the plus strand (C>T on the coding strand, the complement: ABRAXAS1 is on the minus strand). VCF-style: chr4-83462677-G-A. GRCh37 (hg19) VCF-style: chr4-84383830-G-A.
Other names: c.695C>T, p.Pro232Leu (NM_001345962.2); short protein forms P232L, P341L.
Identifiers: ClinVar variation 830298 (VCV000830298.13), dbSNP rs1722173605, ClinGen allele CA357255455.

ClinVar aggregate classification (germline): Conflicting classifications of pathogenicity. Review status: criteria provided, conflicting classifications (1 of 4 stars). 3 submissions from 3 submitters: Uncertain significance (2); Likely benign (1). Last evaluated 2023-11-23.

Conditions:
Hereditary breast ovarian cancer syndrome. Also called: Hereditary breast and/or ovarian cancer syndrome; Hereditary breast and ovarian cancer syndrome (HBOC); Breast and ovarian cancer; Hereditary breast and ovarian cancer; BRCA1- and BRCA2-Associated Hereditary Breast and Ovarian Cancer; Hereditary breast and ovarian cancer syndrome. Identifiers: Orphanet 145, MedGen C0677776, MeSH D061325, MONDO:0003582. Disease mechanism: loss of function.

Allele frequency attached by ClinVar (database versions not stated): gnomAD exomes below 0.00001.
gnomAD v4.1: 2 of 1,613,812 alleles (0.00012%); highest among the groups gnomAD compares: East Asian, 0.0022%; no homozygotes.

Submissions (3):

Ambry Genetics
Classification: Likely benign. Last evaluated: 2023-11-23. Review status: criteria provided, single submitter. Criteria: Ambry Variant Classification Scheme 2023. Collection method: clinical testing. Allele origin: germline.

Cancer Genomics Group, Japanese Foundation For Cancer Research
Classification: Uncertain significance for Hereditary breast and ovarian cancer syndrome. Last evaluated: 2019-05-01. Review status: criteria provided, single submitter. Criteria: ACMG Guidelines, 2015. Collection method: research. Allele origin: germline. Affected: yes.

Labcorp Genetics (formerly Invitae), Labcorp
Classification: Uncertain significance. Last evaluated: 2019-04-10. Review status: criteria provided, single submitter. Criteria: Invitae Variant Classification Sherloc (09022015). Collection method: clinical testing. Allele origin: germline.
Comment: This variant is not present in population databases (ExAC no frequency). This sequence change replaces proline with leucine at codon 341 of the ABRAXAS1 protein (p.Pro341Leu). The proline residue is weakly conserved and there is a moderate physicochemical difference between proline and leucine. This variant has not been reported in the literature in individuals with ABRAXAS1-related conditions. Algorithms developed to predict the effect of missense changes on protein structure and function output the following: SIFT: "Tolerated"; PolyPhen-2: "Benign"; Align-GVGD: "Class C0". The leucine amino acid residue is found in multiple mammalian species, suggesting that this missense change does not adversely affect protein function. These predictions have not been confirmed by published functional studies and their clinical significance is uncertain. In summary, the available evidence is currently insufficient to determine the role of this variant in disease. Therefore, it has been classified as a Variant of Uncertain Significance.